The following is an entry in ClinVar:

NM_033198.4(PIGS):c.1515G>A (p.Pro505=)

Gene: PIGS (phosphatidylinositol glycan anchor biosynthesis class S; minus strand). Cytogenetic location: 17q11.2.
Variant type: single nucleotide variant.
Coding change: c.1515G>A on transcript NM_033198.4 (MANE Select); coding-DNA position 1515, G replaced by A.
Protein change: p.Pro505=; no amino-acid change (proline 505 retained).
Molecular consequence: synonymous variant.
Genome position (GRCh38, 1-based): chr17:28,554,373, C>T on the plus strand (G>A on the coding strand, the complement: PIGS is on the minus strand). VCF-style: chr17-28554373-C-T. GRCh37 (hg19) VCF-style: chr17-26881391-C-T.
Other names: c.1515G>A (NM_033198.3).
Identifiers: ClinVar variation 2570979 (VCV002570979.29), dbSNP rs373354668, ClinGen allele CA8459960.

ClinVar aggregate classification (germline): Likely benign. Review status: criteria provided, multiple submitters, no conflicts (2 of 4 stars). 3 submissions from 3 submitters: Likely benign (2). 1 of the submissions does not count toward it. Last evaluated 2024-11-05.

Conditions:
PIGS-related disorder. Also called: PIGS-related condition.

Allele frequency attached by ClinVar (database versions not stated): ExAC 0.00021; ESP Exome Variant Server 0.00023; TOPMed 0.00025; gnomAD 0.00027; gnomAD exomes 0.00055.
gnomAD v4.1: 843 of 1,614,116 alleles (0.052%); highest among the groups gnomAD compares: Non-Finnish European, 0.068%; no homozygotes.

Submissions (3):

Blueprint Genetics
Classification: Likely benign. Last evaluated: 2024-11-05. Review status: criteria provided, single submitter. Criteria: ACMG Guidelines, 2015. Collection method: clinical testing. Allele origin: germline.

CeGaT Center for Human Genetics Tuebingen
Classification: Likely benign. Last evaluated: 2023-06-01. Review status: criteria provided, single submitter. Criteria: CeGaT Center For Human Genetics Tuebingen Variant Classification Criteria Version 2. Collection method: clinical testing. Allele origin: germline. Affected: yes. Observed: 1 variant allele.
Comment: PIGS: BP4, BP7

PreventionGenetics, part of Exact Sciences
Classification: Likely benign for PIGS-related condition. Last evaluated: 2019-08-14. Review status: no assertion criteria provided. Collection method: clinical testing. Allele origin: germline. Not counted in ClinVar's aggregate classification.
Comment: This variant is classified as likely benign based on ACMG/AMP sequence variant interpretation guidelines (Richards et al. 2015 PMID: 25741868, with internal and published modifications).